The following is an entry in ClinVar:

ClinVar aggregate classification (germline): Uncertain significance (1 of 4 stars; one submission).

gnomAD v4.1: 1 of 1,613,958 alleles (0.000062%); highest among the groups gnomAD compares: South Asian, 0.0011%; no homozygotes.

Submission:

Labcorp Genetics (formerly Invitae), Labcorp
Classification: Uncertain significance. Last evaluated: 2024-02-05. Review status: criteria provided, single submitter. Criteria: Invitae Variant Classification Sherloc (09022015). Collection method: clinical testing. Allele origin: germline.
Comment: This sequence change falls in intron 5 of the TYMP gene. It does not directly change the encoded amino acid sequence of the TYMP protein. It affects a nucleotide within the consensus splice site. This variant is present in population databases (no rsID available, gnomAD 0.003%). This variant has not been reported in the literature in individuals affected with TYMP-related conditions. Variants that disrupt the consensus splice site are a relatively common cause of aberrant splicing (PMID: 17576681, 9536098). Algorithms developed to predict the effect of sequence changes on RNA splicing suggest that this variant is not likely to affect RNA splicing. In summary, the available evidence is currently insufficient to determine the role of this variant in disease. Therefore, it has been classified as a Variant of Uncertain Significance.

Literature cited by the submitters: PubMed 17576681; PubMed 9536098.

NM_001953.5(TYMP):c.646+3G>A

Gene: TYMP (thymidine phosphorylase; minus strand). Cytogenetic location: 22q13.33.
Variant type: single nucleotide variant.
Coding change: c.646+3G>A on transcript NM_001953.5 (MANE Select); 3 bases into the intron after coding-DNA position 646, G replaced by A.
Molecular consequence: intron variant.
Genome position (GRCh38, 1-based): chr22:50,527,585, C>T on the plus strand (G>A on the coding strand, the complement: TYMP is on the minus strand). VCF-style: chr22-50527585-C-T. GRCh37 (hg19) VCF-style: chr22-50966014-C-T.
Other names: c.646+3G>A (NM_001257989.1, NM_001257988.1, NM_001113755.3 and 1 more transcripts).
Identifiers: ClinVar variation 2756879 (VCV002756879.3), dbSNP rs1414577231, ClinGen allele CA640357825.